The following is an entry in ClinVar:

ClinVar aggregate classification (germline): Uncertain significance (1 of 4 stars; one submission).

Allele frequency attached by ClinVar (database versions not stated): gnomAD exomes below 0.00001.
gnomAD v4.1: 1 of 1,491,204 alleles (0.000067%); highest among the groups gnomAD compares: Non-Finnish European, 0.000089%; no homozygotes.

Submission:

GeneDx
Classification: Uncertain significance. Last evaluated: 2020-10-23. Review status: criteria provided, single submitter. Criteria: GeneDx Variant Classification Process June 2021. Collection method: clinical testing. Allele origin: germline. Affected: yes.
Comment: Not observed in large population cohorts (Lek et al., 2016); In silico analysis supports that this missense variant has a deleterious effect on protein structure/function; Has not been previously published as pathogenic or benign to our knowledge

NM_138477.4(CDAN1):c.289C>T (p.Arg97Cys)

Genes: CDAN1 (codanin 1; minus strand), LOC130056931 (ATAC-STARR-seq lymphoblastoid silent region 6376; plus strand). Cytogenetic location: 15q15.2.
Variant type: single nucleotide variant.
Coding change: c.289C>T on transcript NM_138477.4 (MANE Select); coding-DNA position 289, C replaced by T.
Protein change: p.Arg97Cys; replaces arginine 97 with cysteine.
Molecular consequence: missense variant.
Genome position (GRCh38, 1-based): chr15:42,736,582, G>A on the plus strand (C>T on the coding strand, the complement: CDAN1 is on the minus strand). VCF-style: chr15-42736582-G-A. GRCh37 (hg19) VCF-style: chr15-43028780-G-A.
Other names: short protein forms R97C.
Identifiers: ClinVar variation 1313325 (VCV001313325.2), dbSNP rs1286444553, ClinGen allele CA392060185.
Genomic context (GRCh38, chr15:42,736,582, plus strand): 5'-GGGCCAGAGGGGCCTCGGCAGCGGTGCTCTGGGCCTCGGTCGGAGGGAAAAGCTGGCTGC[G>A]CGCCCCGCGGCTACCCCGCGGCGGGCCTCCCGGCCTCCCTGGCAAGGCTGCCGAGGCGCC-3'
Protein context (NP_612486.2, residues 87-107): GGPPRGSRGA[Arg97Cys]SQLFPPTEAQ